The following is an entry in ClinVar:

NM_004360.5(CDH1):c.1576T>A (p.Trp526Arg)

Gene: CDH1 (cadherin 1; plus strand). Cytogenetic location: 16q22.1.
Variant type: single nucleotide variant.
Coding change: c.1576T>A on transcript NM_004360.5 (MANE Select); coding-DNA position 1576, T replaced by A.
Protein change: p.Trp526Arg; replaces tryptophan 526 with arginine.
Molecular consequence: missense variant. On other transcripts: intron variant (1).
Genome position (GRCh38, 1-based): chr16:68,819,290, T>A. VCF-style: chr16-68819290-T-A. GRCh37 (hg19) VCF-style: chr16-68853193-T-A.
Other names: c.1393T>A, p.Trp465Arg (NM_001317184.2); c.28T>A, p.Trp10Arg (NM_001317185.2); c.-254-2711T>A (NM_001317186.2); short protein forms W10R, W526R, W465R.
Identifiers: ClinVar variation 4223606 (VCV004223606.2).

ClinVar aggregate classification (germline): Uncertain significance. Review status: criteria provided, multiple submitters, no conflicts (2 of 4 stars). 2 submissions from 2 submitters: Uncertain significance (2). Last evaluated 2025-07-31.

Conditions:
Hereditary cancer-predisposing syndrome. Also called: Neoplastic Syndromes, Hereditary; Tumor predisposition; Hereditary Cancer Syndrome; Hereditary neoplastic syndrome. Identifiers: Orphanet 140162, MedGen C0027672, MeSH D009386, MONDO:0015356.
Hereditary diffuse gastric adenocarcinoma (HDGC). Also called: DIFFUSE GASTRIC AND LOBULAR BREAST CANCER SYNDROME. Identifiers: Orphanet 26106, MedGen C1708349, MONDO:0007648, OMIM 137215.

Submissions (2):

Ambry Genetics
Classification: Uncertain significance for Hereditary cancer-predisposing syndrome. Last evaluated: 2025-07-31. Review status: criteria provided, single submitter. Criteria: Ambry Variant Classification Scheme 2023. Collection method: clinical testing. Allele origin: germline.
Comment: The p.W526R variant (also known as c.1576T>A), located in coding exon 11 of the CDH1 gene, results from a T to A substitution at nucleotide position 1576. The tryptophan at codon 526 is replaced by arginine, an amino acid with dissimilar properties. This amino acid position is conserved. In addition, this alteration is predicted to be tolerated by in silico analysis. Based on the available evidence, the clinical significance of this variant remains unclear.

Labcorp Genetics (formerly Invitae), Labcorp
Classification: Uncertain significance for Hereditary diffuse gastric adenocarcinoma. Last evaluated: 2025-03-26. Review status: criteria provided, single submitter. Criteria: Invitae Variant Classification Sherloc (09022015). Collection method: clinical testing. Allele origin: germline.
Comment: This sequence change replaces tryptophan, which is neutral and slightly polar, with arginine, which is basic and polar, at codon 526 of the CDH1 protein (p.Trp526Arg). This variant is not present in population databases (gnomAD no frequency). This variant has not been reported in the literature in individuals affected with CDH1-related conditions. An algorithm developed to predict the effect of missense changes on protein structure and function (PolyPhen-2) suggests that this variant is likely to be tolerated. In summary, the available evidence is currently insufficient to determine the role of this variant in disease. Therefore, it has been classified as a Variant of Uncertain Significance.